The following is an entry in ClinVar:

ClinVar aggregate classification (germline): Likely benign. Review status: criteria provided, multiple submitters, no conflicts (2 of 4 stars). 3 submissions from 3 submitters: Likely benign (3). Last evaluated 2026-08-01.

Conditions:
Inborn genetic diseases. Identifiers: MedGen C0950123, MeSH D030342.
Baller-Gerold syndrome (BGS). Also called: CRANIOSYNOSTOSIS WITH RADIAL DEFECTS. Identifiers: Orphanet 1225, MedGen C0265308, MONDO:0009039, OMIM 218600.

Submissions (3):

CeGaT Center for Human Genetics Tuebingen
Classification: Likely benign. Last evaluated: 2026-08-01. Review status: criteria provided, single submitter. Criteria: CeGaT Center For Human Genetics Tuebingen Variant Classification Criteria Version 2. Collection method: clinical testing. Allele origin: germline. Affected: yes. Observed: 1 variant allele.
Comment: RECQL4: BP4, BP7

Ambry Genetics
Classification: Likely benign for Inborn genetic diseases. Last evaluated: 2024-12-06. Review status: criteria provided, single submitter. Criteria: Ambry Variant Classification Scheme 2023. Collection method: clinical testing. Allele origin: germline.

Labcorp Genetics (formerly Invitae), Labcorp
Classification: Likely benign for Baller-Gerold syndrome. Last evaluated: 2024-02-02. Review status: criteria provided, single submitter. Criteria: Invitae Variant Classification Sherloc (09022015). Collection method: clinical testing. Allele origin: germline.

NM_004260.4(RECQL4):c.1464A>G (p.Ala488=)

Gene: RECQL4 (RecQ like helicase 4; minus strand). Cytogenetic location: 8q24.3.
Variant type: single nucleotide variant.
Coding change: c.1464A>G on transcript NM_004260.4 (MANE Select); coding-DNA position 1464, A replaced by G.
Protein change: p.Ala488=; no amino-acid change (alanine 488 retained).
Molecular consequence: synonymous variant.
Genome position (GRCh38, 1-based): chr8:144,515,169, T>C on the plus strand (A>G on the coding strand, the complement: RECQL4 is on the minus strand). VCF-style: chr8-144515169-T-C. GRCh37 (hg19) VCF-style: chr8-145740553-T-C.
Other names: c.1464A>G (NM_004260.3).
Identifiers: ClinVar variation 1146090 (VCV001146090.9), dbSNP rs557734785, ClinGen allele CA463567258.